The following is an entry in ClinVar:

ClinVar aggregate classification (germline): Uncertain significance. Review status: criteria provided, multiple submitters, no conflicts (2 of 4 stars). 5 submissions from 5 submitters: Uncertain significance (5). Last evaluated 2025-03-10.

Conditions:
Inborn genetic diseases. Identifiers: MedGen C0950123, MeSH D030342.

Allele frequency attached by ClinVar (database versions not stated): gnomAD 0.00001 and 0.00003; TOPMed 0.00001; ExAC 0.00002; gnomAD exomes 0.00002 and 0.00005; 1000 Genomes Project 30x 0.00016; 1000 Genomes Project 0.00020.
gnomAD v4.1: 76 of 1,614,140 alleles (0.0047%); highest among the groups gnomAD compares: Middle Eastern, 0.066%; no homozygotes.

Submissions (5):

Ambry Genetics
Classification: Uncertain significance for Inborn genetic diseases. Last evaluated: 2025-03-10. Review status: criteria provided, single submitter. Criteria: Ambry Variant Classification Scheme 2023. Collection method: clinical testing. Allele origin: germline.

Blueprint Genetics
Classification: Uncertain significance. Last evaluated: 2024-09-17. Review status: criteria provided, single submitter. Criteria: ACMG Guidelines, 2015. Collection method: clinical testing. Allele origin: germline.

Labcorp Genetics (formerly Invitae), Labcorp
Classification: Uncertain significance. Last evaluated: 2024-09-05. Review status: criteria provided, single submitter. Criteria: Invitae Variant Classification Sherloc (09022015). Collection method: clinical testing. Allele origin: germline.
Comment: This sequence change replaces proline, which is neutral and non-polar, with leucine, which is neutral and non-polar, at codon 670 of the LRP5 protein (p.Pro670Leu). This variant is present in population databases (rs201207267, gnomAD 0.007%). This variant has not been reported in the literature in individuals affected with LRP5-related conditions. ClinVar contains an entry for this variant (Variation ID: 593775). Invitae Evidence Modeling of protein sequence and biophysical properties (such as structural, functional, and spatial information, amino acid conservation, physicochemical variation, residue mobility, and thermodynamic stability) has been performed for this missense variant. However, the output from this modeling did not meet the statistical confidence thresholds required to predict the impact of this variant on LRP5 protein function. In summary, the available evidence is currently insufficient to determine the role of this variant in disease. Therefore, it has been classified as a Variant of Uncertain Significance.

ARUP Laboratories, Molecular Genetics and Genomics, ARUP Laboratories
Classification: Uncertain significance. Last evaluated: 2023-02-22. Review status: criteria provided, single submitter. Criteria: ARUP Molecular Germline Variant Investigation Process 2024. Collection method: clinical testing. Allele origin: germline.
Comment: The LRP5 c.2009C>T; p.Pro670Leu variant (rs201207267), to our knowledge, is not reported in the medical literature but is reported in ClinVar (Variation ID: 593775). This variant is found in the general population with an overall allele frequency of 0.0020% (5/251302 alleles) in the Genome Aggregation Database. Computational analyses predict that this variant is deleterious (REVEL: 0.753). Due to limited information, the clinical significance of this variant is uncertain at this time.

Eurofins Ntd Llc (ga)
Classification: Uncertain significance. Last evaluated: 2017-09-07. Review status: criteria provided, single submitter. Criteria: EGL Classification Definitions 2015. Collection method: clinical testing. Allele origin: germline. Observed: 1 variant allele, 1 heterozygote.

NM_002335.4(LRP5):c.2009C>T (p.Pro670Leu)

Gene: LRP5 (LDL receptor related protein 5; plus strand). Cytogenetic location: 11q13.2.
Variant type: single nucleotide variant.
Coding change: c.2009C>T on transcript NM_002335.4 (MANE Select); coding-DNA position 2009, C replaced by T.
Protein change: p.Pro670Leu; replaces proline 670 with leucine.
Molecular consequence: missense variant.
Genome position (GRCh38, 1-based): chr11:68,406,731, C>T. VCF-style: chr11-68406731-C-T. GRCh37 (hg19) VCF-style: chr11-68174199-C-T.
Other names: c.2009C>T (NM_002335.2); c.266C>T, p.Pro89Leu (NM_001291902.2); short protein forms P670L, P89L.
Identifiers: ClinVar variation 593775 (VCV000593775.15), dbSNP rs201207267, ClinGen allele CA6149506.
Genomic context (GRCh38, chr11:68,406,731, plus strand): 5'-CCAGCAGAGCCGCCATCCACAGGATCTCCCTCGAGACCAATAACAACGACGTGGCCATCC[C>T]GCTCACGGGCGTCAAGGAGGCCTCAGCCCTGGACTTTGATGTGTCCAACAACCACATCTA-3'
Protein context (NP_002326.2, residues 660-680): LETNNNDVAI[Pro670Leu]LTGVKEASAL